The following is an entry in ClinVar:

ClinVar aggregate classification (germline): Uncertain significance (1 of 4 stars; one submission).

Conditions:
Megaconial type congenital muscular dystrophy (MDCMC). Also called: MUSCULAR DYSTROPHY, CONGENITAL, WITH MITOCHONDRIAL STRUCTURAL ABNORMALITIES; CHKB-Related Muscle Diseases; CHKB-Related Muscular Dystrophy. Identifiers: Orphanet 280671, MedGen C1865233, MONDO:0011246, OMIM 602541.

Allele frequency attached by ClinVar (database versions not stated): ExAC 0.00001; TOPMed 0.00002.
gnomAD v4.1: 7 of 1,613,930 alleles (0.00043%); highest among the groups gnomAD compares: Non-Finnish European, 0.00059%; no homozygotes.

Submission:

Labcorp Genetics (formerly Invitae), Labcorp
Classification: Uncertain significance for Megaconial type congenital muscular dystrophy. Last evaluated: 2021-08-31. Review status: criteria provided, single submitter. Criteria: Invitae Variant Classification Sherloc (09022015). Collection method: clinical testing. Allele origin: germline.
Comment: This sequence change replaces proline with leucine at codon 235 of the CHKB protein (p.Pro235Leu). The proline residue is highly conserved and there is a moderate physicochemical difference between proline and leucine. This variant is present in population databases (rs199847760, ExAC 0.001%). This variant has not been reported in the literature in individuals affected with CHKB-related conditions. Algorithms developed to predict the effect of missense changes on protein structure and function are either unavailable or do not agree on the potential impact of this missense change (SIFT: "Tolerated"; PolyPhen-2: "Probably Damaging"; Align-GVGD: "Class C15"). In summary, the available evidence is currently insufficient to determine the role of this variant in disease. Therefore, it has been classified as a Variant of Uncertain Significance.

NM_005198.5(CHKB):c.704C>T (p.Pro235Leu)

Genes: CHKB-CPT1B (CHKB-CPT1B readthrough (NMD candidate); minus strand), CHKB (choline kinase beta; minus strand). Cytogenetic location: 22q13.33.
Variant type: single nucleotide variant.
Coding change: c.704C>T on transcript NM_005198.5 (MANE Select); coding-DNA position 704, C replaced by T.
Protein change: p.Pro235Leu; replaces proline 235 with leucine.
Molecular consequence: missense variant. On other transcripts: non-coding transcript variant (1).
Genome position (GRCh38, 1-based): chr22:50,580,390, G>A on the plus strand (C>T on the coding strand, the complement: CHKB is on the minus strand). VCF-style: chr22-50580390-G-A. GRCh37 (hg19) VCF-style: chr22-51018819-G-A.
Other names: short protein forms P235L.
Identifiers: ClinVar variation 570028 (VCV000570028.6), dbSNP rs199847760, ClinGen allele CA10323673.